The following is an entry in ClinVar:

NM_017514.5(PLXNA3):c.949C>G (p.Leu317Val)

Gene: PLXNA3 (plexin A3; plus strand). Cytogenetic location: Xq28.
Variant type: single nucleotide variant.
Coding change: c.949C>G on transcript NM_017514.5 (MANE Select); coding-DNA position 949, C replaced by G.
Protein change: p.Leu317Val; replaces leucine 317 with valine.
Molecular consequence: missense variant.
Genome position (GRCh38, 1-based): chrX:154,461,453, C>G. VCF-style: chrX-154461453-C-G. GRCh37 (hg19) VCF-style: chrX-153689793-C-G.
Other names: short protein forms L317V.
Identifiers: ClinVar variation 3033597 (VCV003033597.2), dbSNP rs1557204442, ClinGen allele CA415231867.

ClinVar aggregate classification (germline): Uncertain significance (0 of 4 stars; one submission).

Conditions:
PLXNA3-related disorder. Also called: PLXNA3-related condition.

Allele frequency attached by ClinVar (database versions not stated): TOPMed 0.00001; gnomAD exomes below 0.00001; gnomAD 0.00001.
gnomAD v4.1: 3 of 1,210,983 alleles (0.00025%); highest among the groups gnomAD compares: Non-Finnish European, 0.00034%; no homozygotes.

Submission:

PreventionGenetics, part of Exact Sciences
Classification: Uncertain significance for PLXNA3-related condition. Last evaluated: 2023-12-19. Review status: no assertion criteria provided. Collection method: clinical testing. Allele origin: germline.
Comment: The PLXNA3 c.949C>G variant is predicted to result in the amino acid substitution p.Leu317Val. To our knowledge, this variant has not been reported in the literature. This variant is reported in 0.0093% of alleles in individuals of European (Non-Finnish) descent in gnomAD. At this time, the clinical significance of this variant is uncertain due to the absence of conclusive functional and genetic evidence.